The following is an entry in ClinVar:

NM_182919.4(TICAM1):c.1528C>A (p.Leu510Met)

Gene: TICAM1 (TIR domain containing adaptor molecule 1; minus strand). Cytogenetic location: 19p13.3.
Variant type: single nucleotide variant.
Coding change: c.1528C>A on transcript NM_182919.4 (MANE Select); coding-DNA position 1528, C replaced by A.
Protein change: p.Leu510Met; replaces leucine 510 with methionine.
Molecular consequence: missense variant.
Genome position (GRCh38, 1-based): chr19:4,816,850, G>T on the plus strand (C>A on the coding strand, the complement: TICAM1 is on the minus strand). VCF-style: chr19-4816850-G-T. GRCh37 (hg19) VCF-style: chr19-4816862-G-T.
Other names: c.1486C>A, p.Leu496Met (NM_001385678.1); c.1393C>A, p.Leu465Met (NM_001385679.1); c.886C>A, p.Leu296Met (NM_001385680.1); short protein forms L465M, L296M, L510M, L496M.
Identifiers: ClinVar variation 1477186 (VCV001477186.10), dbSNP rs754776028, ClinGen allele CA9105118.

ClinVar aggregate classification (germline): Uncertain significance (1 of 4 stars; one submission).

Conditions:
Encephalopathy, acute, infection-induced (herpes-specific), susceptibility to, 6. Also called: Herpes simplex encephalitis, susceptibility to, 4. Identifiers: Orphanet 1930, MedGen C3553869, MONDO:0013921, OMIM 614850.

Allele frequency attached by ClinVar (database versions not stated): gnomAD 0.00001.
gnomAD v4.1: 8 of 1,612,500 alleles (0.0005%); highest among the groups gnomAD compares: Admixed American, 0.012%; no homozygotes.

Submission:

Labcorp Genetics (formerly Invitae), Labcorp
Classification: Uncertain significance for Encephalopathy, acute, infection-induced (herpes-specific), susceptibility to, 6. Last evaluated: 2025-06-23. Review status: criteria provided, single submitter. Criteria: Invitae Variant Classification Sherloc (09022015). Collection method: clinical testing. Allele origin: germline.
Comment: This sequence change replaces leucine, which is neutral and non-polar, with methionine, which is neutral and non-polar, at codon 510 of the TICAM1 protein (p.Leu510Met). This variant is present in population databases (rs754776028, gnomAD 0.02%). This variant has not been reported in the literature in individuals affected with TICAM1-related conditions. ClinVar contains an entry for this variant (Variation ID: 1477186). An algorithm developed to predict the effect of missense changes on protein structure and function (PolyPhen-2) suggests that this variant is likely to be disruptive. In summary, the available evidence is currently insufficient to determine the role of this variant in disease. Therefore, it has been classified as a Variant of Uncertain Significance.